The following is an entry in ClinVar:

ClinVar aggregate classification (germline): Conflicting classifications of pathogenicity. Review status: criteria provided, conflicting classifications (1 of 4 stars). 11 submissions from 11 submitters: Uncertain significance (1); Benign (3); Likely benign (5). 2 of the submissions do not count toward it. Last evaluated 2026-05-27.

Conditions:
AKAP9-related disorder. Also called: AKAP9-related condition.
Cardiovascular phenotype. Identifiers: MedGen CN230736.
Long QT syndrome (LQTS). Identifiers: MedGen C0023976, MeSH D008133, MONDO:0002442. Disease mechanism: loss of function. Inheritance: Various modes of inheritance.
Long QT syndrome 11 (LQT11). Identifiers: Orphanet 101016, Orphanet 768, MedGen C2678483, MONDO:0012738, OMIM 611820.

Allele frequency attached by ClinVar (database versions not stated): 1000 Genomes Project 30x 0.00047; 1000 Genomes Project 0.00060; ExAC 0.00098; TOPMed 0.00104; gnomAD 0.00108 and 0.00111; gnomAD exomes 0.00110 and 0.00146; ESP Exome Variant Server 0.00131.
gnomAD v4.1: 2,283 of 1,614,066 alleles (0.14%); highest among the groups gnomAD compares: Non-Finnish European, 0.17%; 4 homozygotes.

Submissions (11):

PreventionGenetics, part of Exact Sciences
Classification: Likely benign for AKAP9-related condition. Last evaluated: 2026-05-27. Review status: criteria provided, single submitter. Criteria: ACMG Guidelines, 2015. Collection method: clinical testing. Allele origin: germline.
Comment: This variant is classified as likely benign based on ACMG/AMP sequence variant interpretation guidelines (Richards et al. 2015 PMID: 25741868, with internal and published modifications).

Labcorp Genetics (formerly Invitae), Labcorp
Classification: Benign for Long QT syndrome. Last evaluated: 2026-02-03. Review status: criteria provided, single submitter. Criteria: Invitae Variant Classification Sherloc (09022015). Collection method: clinical testing. Allele origin: germline.

Blueprint Genetics
Classification: Likely benign. Last evaluated: 2024-09-23. Review status: criteria provided, single submitter. Criteria: ACMG Guidelines, 2015. Collection method: clinical testing. Allele origin: germline.

CeGaT Center for Human Genetics Tuebingen
Classification: Likely benign. Last evaluated: 2023-02-01. Review status: criteria provided, single submitter. Criteria: CeGaT Center For Human Genetics Tuebingen Variant Classification Criteria Version 2. Collection method: clinical testing. Allele origin: germline. Affected: yes. Observed: 3 variant alleles.
Comment: AKAP9: BP4, BP7

Women's Health and Genetics/Laboratory Corporation of America, LabCorp
Classification: Benign. Last evaluated: 2020-09-06. Review status: criteria provided, single submitter. Criteria: LabCorp Variant Classification Summary - May 2015. Collection method: clinical testing. Allele origin: germline.

Clinical Genetics DNA and cytogenetics Diagnostics Lab, Erasmus MC, Erasmus Medical Center
Classification: Likely benign for Long QT syndrome 11. Last evaluated: 2017-06-28. Review status: criteria provided, single submitter. Criteria: ACGS Guidelines, 2013. Collection method: clinical testing. Allele origin: germline. Affected: yes. Study: VKGL Data-share Consensus.

Ambry Genetics
Classification: Likely benign for Cardiovascular phenotype. Last evaluated: 2015-09-16. Review status: criteria provided, single submitter. Criteria: Ambry Variant Classification Scheme 2023. Collection method: clinical testing. Allele origin: germline.

GeneDx
Classification: Benign. Last evaluated: 2015-03-03. Review status: criteria provided, single submitter. Criteria: GeneDx Variant Classification Process June 2021. Collection method: clinical testing. Allele origin: germline. Affected: yes.

Eurofins Ntd Llc (ga)
Classification: Uncertain significance. Last evaluated: 2015-01-09. Review status: criteria provided, single submitter. Criteria: EGL Classification Definitions 2015. Collection method: clinical testing. Allele origin: germline. Observed: 1 variant allele, 1 heterozygote.

Clinical Genetics, Academic Medical Center
Classification: Benign. Review status: no assertion criteria provided. Collection method: clinical testing. Allele origin: germline. Affected: yes. Study: VKGL Data-share Consensus. Not counted in ClinVar's aggregate classification.

Joint Genome Diagnostic Labs from Nijmegen and Maastricht, Radboudumc and MUMC+
Classification: Likely benign. Review status: no assertion criteria provided. Collection method: clinical testing. Allele origin: germline. Affected: yes. Study: VKGL Data-share Consensus. Not counted in ClinVar's aggregate classification.

NM_005751.5(AKAP9):c.10767G>A (p.Leu3589=)

Gene: AKAP9 (A-kinase anchoring protein 9; plus strand). Cytogenetic location: 7q21.2.
Variant type: single nucleotide variant.
Coding change: c.10767G>A on transcript NM_005751.5 (MANE Select); coding-DNA position 10767, G replaced by A.
Protein change: p.Leu3589=; no amino-acid change (leucine 3589 retained).
Molecular consequence: synonymous variant.
Genome position (GRCh38, 1-based): chr7:92,099,740, G>A. VCF-style: chr7-92099740-G-A. GRCh37 (hg19) VCF-style: chr7-91729054-G-A.
Other names: c.5412G>A, p.Leu1804= (NM_001379277.1); c.10743G>A, p.Leu3581= (NM_147185.3).
Identifiers: ClinVar variation 197505 (VCV000197505.52), dbSNP rs56198613, ClinGen allele CA245695.